The following is an entry in ClinVar:

NM_001036.6(RYR3):c.4901C>T (p.Thr1634Ile)

Gene: RYR3 (ryanodine receptor 3; plus strand). Cytogenetic location: 15q14.
Variant type: single nucleotide variant.
Coding change: c.4901C>T on transcript NM_001036.6 (MANE Select); coding-DNA position 4901, C replaced by T.
Protein change: p.Thr1634Ile; replaces threonine 1634 with isoleucine.
Molecular consequence: missense variant.
Genome position (GRCh38, 1-based): chr15:33,662,431, C>T. VCF-style: chr15-33662431-C-T. GRCh37 (hg19) VCF-style: chr15-33954632-C-T.
Other names: c.4901C>T, p.Thr1634Ile (NM_001243996.4); short protein forms T1634I.
Identifiers: ClinVar variation 847033 (VCV000847033.9), dbSNP rs760950887, ClinGen allele CA7459135.

ClinVar aggregate classification (germline): Uncertain significance (1 of 4 stars; one submission).

Conditions:
Epileptic encephalopathy. Identifiers: MedGen C0543888, HP:0200134.

Allele frequency attached by ClinVar (database versions not stated): ExAC 0.00001; gnomAD exomes 0.00001.
gnomAD v4.1: 4 of 1,614,000 alleles (0.00025%); highest among the groups gnomAD compares: South Asian, 0.0044%; no homozygotes.

Submission:

Labcorp Genetics (formerly Invitae), Labcorp
Classification: Uncertain significance for Epileptic encephalopathy. Last evaluated: 2023-08-17. Review status: criteria provided, single submitter. Criteria: Invitae Variant Classification Sherloc (09022015). Collection method: clinical testing. Allele origin: germline.
Comment: This sequence change replaces threonine, which is neutral and polar, with isoleucine, which is neutral and non-polar, at codon 1634 of the RYR3 protein (p.Thr1634Ile). This variant is present in population databases (rs760950887, gnomAD 0.006%). This variant has not been reported in the literature in individuals affected with RYR3-related conditions. ClinVar contains an entry for this variant (Variation ID: 847033). Advanced modeling of protein sequence and biophysical properties (such as structural, functional, and spatial information, amino acid conservation, physicochemical variation, residue mobility, and thermodynamic stability) has been performed at Invitae for this missense variant, however the output from this modeling did not meet the statistical confidence thresholds required to predict the impact of this variant on RYR3 protein function. In summary, the available evidence is currently insufficient to determine the role of this variant in disease. Therefore, it has been classified as a Variant of Uncertain Significance.